The following is an entry in ClinVar:

NM_014844.5(TECPR2):c.4033G>C (p.Ala1345Pro)

Gene: TECPR2 (tectonin beta-propeller repeat containing 2; plus strand). Cytogenetic location: 14q32.31.
Variant type: single nucleotide variant.
Coding change: c.4033G>C on transcript NM_014844.5 (MANE Select); coding-DNA position 4033, G replaced by C.
Protein change: p.Ala1345Pro; replaces alanine 1345 with proline.
Molecular consequence: missense variant.
Genome position (GRCh38, 1-based): chr14:102,497,671, G>C. VCF-style: chr14-102497671-G-C. GRCh37 (hg19) VCF-style: chr14-102964008-G-C.
Other names: short protein forms A1345P.
Identifiers: ClinVar variation 972713 (VCV000972713.6), dbSNP rs77170608, ClinGen allele CA391058786.

ClinVar aggregate classification (germline): Uncertain significance. Review status: criteria provided, multiple submitters, no conflicts (2 of 4 stars). 3 submissions from 3 submitters: Uncertain significance (3). Last evaluated 2026-05-29.

Conditions:
Hereditary spastic paraplegia 49 (HSAN9). Also called: Spastic paraplegia 49, autosomal recessive; NEUROPATHY, HEREDITARY SENSORY AND AUTONOMIC, TYPE IX, WITH DEVELOPMENTAL DELAY; TECPR2-Related Hereditary Sensory and Autonomic Neuropathy with Intellectual Disability. Identifiers: Orphanet 320385, MedGen C5190860, MONDO:0014016, OMIM 615031.

Allele frequency attached by ClinVar (database versions not stated): TOPMed 0.00002.
gnomAD v4.1: 3 of 1,608,778 alleles (0.00019%); highest among the groups gnomAD compares: Admixed American, 0.0017%; no homozygotes.

Submissions (3):

Myriad Genetics, Inc.
Classification: Uncertain significance for Hereditary spastic paraplegia 49. Last evaluated: 2026-05-29. Review status: criteria provided, single submitter. Criteria: Myriad Autosomal Dominant, Autosomal Recessive and X-Linked Classification Criteria (2023). Collection method: clinical testing. Allele origin: unknown.
Comment: NM_014844.3(TECPR2):c.4033G>C(A1345P) is a missense variant classified as a variant of uncertain significance in the context of spastic paraplegia, TECPR2-related. A1345P has been observed in a case with relevant disease (PMID: 33098801). Relevant functional assessments of this variant are not available in the literature. A1345P has not been observed in referenced population frequency databases. In summary, there is insufficient evidence to classify NM_014844.3(TECPR2):c.4033G>C(A1345P) as pathogenic or benign. Please note: this variant was assessed in the context of healthy population screening.

Labcorp Genetics (formerly Invitae), Labcorp
Classification: Uncertain significance for Hereditary spastic paraplegia 49. Last evaluated: 2021-11-24. Review status: criteria provided, single submitter. Criteria: Invitae Variant Classification Sherloc (09022015). Collection method: clinical testing. Allele origin: germline.
Comment: This sequence change replaces alanine, which is neutral and non-polar, with proline, which is neutral and non-polar, at codon 1345 of the TECPR2 protein (p.Ala1345Pro). This variant is not present in population databases (gnomAD no frequency). This variant has not been reported in the literature in individuals affected with TECPR2-related conditions. ClinVar contains an entry for this variant (Variation ID: 972713). Algorithms developed to predict the effect of missense changes on protein structure and function are either unavailable or do not agree on the potential impact of this missense change (SIFT: "Deleterious"; PolyPhen-2: "Probably Damaging"; Align-GVGD: "Class C0"). In summary, the available evidence is currently insufficient to determine the role of this variant in disease. Therefore, it has been classified as a Variant of Uncertain Significance.

Institute of Human Genetics, University of Leipzig Medical Center
Classification: Uncertain significance for Hereditary spastic paraplegia 49. Last evaluated: 2020-06-27. Review status: criteria provided, single submitter. Criteria: ACMG Guidelines, 2015. Collection method: research. Allele origin: maternal. Inheritance: Autosomal recessive inheritance. Affected: yes. Observed: 1 compound heterozygote.
Comment: The variant is maternally inherited. This missense variant c.4033G>C, p.(Ala1345Pro) in exon 19/20 of TECPR2 has not been reported in the general population, in public mutation databases or in the literature. Biallelic truncating or missense variants have been described to cause "Spastic paraplegia 49, autosomal recessive" (Oz-Levi et al. Am J Hum Genet. 2012, PMID: 23176824). Multiple in silico-tools predict this variant as damaging. Taken together, we classify this variant as of unknown significance based on the ACMG recommendations (Richards et al., 2015, PMID 25741868; criteria: PM2 PP3).

Literature cited by the submitters: PubMed 33098801 (cited by Myriad Genetics, Inc.).